The following is an entry in ClinVar:

ClinVar aggregate classification (germline): Uncertain significance. Review status: criteria provided, multiple submitters, no conflicts (2 of 4 stars). 2 submissions from 2 submitters: Uncertain significance (2). Last evaluated 2025-03-31.

Conditions:
Inborn genetic diseases. Identifiers: MedGen C0950123, MeSH D030342.

gnomAD v4.1: 3 of 1,613,910 alleles (0.00019%); highest among the groups gnomAD compares: Admixed American, 0.0017%; no homozygotes.

Submissions (2):

Labcorp Genetics (formerly Invitae), Labcorp
Classification: Uncertain significance. Last evaluated: 2025-03-31. Review status: criteria provided, single submitter. Criteria: Invitae Variant Classification Sherloc (09022015). Collection method: clinical testing. Allele origin: germline.
Comment: This sequence change replaces proline, which is neutral and non-polar, with serine, which is neutral and polar, at codon 65 of the SGMS2 protein (p.Pro65Ser). This variant is not present in population databases (gnomAD no frequency). This variant has not been reported in the literature in individuals affected with SGMS2-related conditions. ClinVar contains an entry for this variant (Variation ID: 3440603). Invitae Evidence Modeling of protein sequence and biophysical properties (such as structural, functional, and spatial information, amino acid conservation, physicochemical variation, residue mobility, and thermodynamic stability) indicates that this missense variant is not expected to disrupt SGMS2 protein function with a negative predictive value of 80%. In summary, the available evidence is currently insufficient to determine the role of this variant in disease. Therefore, it has been classified as a Variant of Uncertain Significance.

Ambry Genetics
Classification: Uncertain significance for Inborn genetic diseases. Last evaluated: 2024-07-30. Review status: criteria provided, single submitter. Criteria: Ambry Variant Classification Scheme 2023. Collection method: clinical testing. Allele origin: germline.

NM_001375905.1(SGMS2):c.193C>T (p.Pro65Ser)

Genes: CYP2U1-AS1 (CYP2U1 and SGMS2 antisense RNA 1; minus strand), SGMS2 (sphingomyelin synthase 2; plus strand). Cytogenetic location: 4q25.
Variant type: single nucleotide variant.
Coding change: c.193C>T on transcript NM_001375905.1 (MANE Select); coding-DNA position 193, C replaced by T.
Protein change: p.Pro65Ser; replaces proline 65 with serine.
Molecular consequence: missense variant. On other transcripts: intron variant (1).
Genome position (GRCh38, 1-based): chr4:107,895,746, C>T. VCF-style: chr4-107895746-C-T. GRCh37 (hg19) VCF-style: chr4-108816902-C-T.
Other names: c.193C>T, p.Pro65Ser (NM_001136257.2, NM_001136258.2, NM_001375906.1 and 4 more transcripts); c.-64-3829C>T (NM_001375911.1); short protein forms P65S.
Identifiers: ClinVar variation 3440603 (VCV003440603.2).